The following is an entry in ClinVar:

NM_004070.4(CLCNKA):c.1939C>T (p.Leu647Phe)

Genes: CLCNKA (chloride voltage-gated channel Ka; plus strand), LOC106501712 (CLCNKA recombination region; plus strand). Cytogenetic location: 1p36.13.
Variant type: single nucleotide variant.
Coding change: c.1939C>T on transcript NM_004070.4 (MANE Select); coding-DNA position 1939, C replaced by T.
Protein change: p.Leu647Phe; replaces leucine 647 with phenylalanine.
Molecular consequence: missense variant.
Genome position (GRCh38, 1-based): chr1:16,033,179, C>T. VCF-style: chr1-16033179-C-T. GRCh37 (hg19) VCF-style: chr1-16359674-C-T.
Other names: c.1936C>T, p.Leu646Phe (NM_001042704.2); c.1810C>T, p.Leu604Phe (NM_001257139.2); short protein forms L647F, L646F, L604F.
Identifiers: ClinVar variation 447086 (VCV000447086.8), dbSNP rs528421254, ClinGen allele CA623022.

ClinVar aggregate classification (germline): Likely benign. Review status: criteria provided, multiple submitters, no conflicts (2 of 4 stars). 3 submissions from 3 submitters: Likely benign (3). Last evaluated 2025-11-01.

Allele frequency attached by ClinVar (database versions not stated): gnomAD 0.00005 and 0.00032; TOPMed 0.00014; gnomAD exomes 0.00111; ExAC 0.00132; 1000 Genomes Project 30x 0.00250; 1000 Genomes Project 0.00280.
gnomAD v4.1: 885 of 1,614,158 alleles (0.055%); highest among the groups gnomAD compares: South Asian, 0.78%; 16 homozygotes.

Submissions (3):

CeGaT Center for Human Genetics Tuebingen
Classification: Likely benign. Last evaluated: 2025-11-01. Review status: criteria provided, single submitter. Criteria: CeGaT Center For Human Genetics Tuebingen Variant Classification Criteria Version 2. Collection method: clinical testing. Allele origin: germline. Affected: yes. Observed: 1 variant allele.
Comment: CLCNKA: BS2

Blueprint Genetics
Classification: Likely benign. Last evaluated: 2024-11-17. Review status: criteria provided, single submitter. Criteria: ACMG Guidelines, 2015. Collection method: clinical testing. Allele origin: germline.

Athena Diagnostics
Classification: Likely benign. Last evaluated: 2017-02-02. Review status: criteria provided, single submitter. Criteria: Athena Diagnostics Criteria. Collection method: clinical testing. Allele origin: germline.